The following is an entry in ClinVar:

ClinVar aggregate classification (germline): Uncertain significance. Review status: criteria provided, multiple submitters, no conflicts (2 of 4 stars). 2 submissions from 2 submitters: Uncertain significance (2). Last evaluated 2022-04-12.

Allele frequency attached by ClinVar (database versions not stated): TOPMed below 0.00001; gnomAD 0.00001.
gnomAD v4.1: 2 of 1,613,904 alleles (0.00012%); highest among the groups gnomAD compares: African/African-American, 0.0013%; no homozygotes.

Submissions (2):

GeneDx
Classification: Uncertain significance. Last evaluated: 2022-04-12. Review status: criteria provided, single submitter. Criteria: GeneDx Variant Classification Process June 2021. Collection method: clinical testing. Allele origin: germline. Affected: yes.
Comment: Not observed at significant frequency in large population cohorts (gnomAD); In silico analysis supports that this missense variant has a deleterious effect on protein structure/function; Has not been previously published as pathogenic or benign to our knowledge

Labcorp Genetics (formerly Invitae), Labcorp
Classification: Uncertain significance. Last evaluated: 2021-09-01. Review status: criteria provided, single submitter. Criteria: Invitae Variant Classification Sherloc (09022015). Collection method: clinical testing. Allele origin: germline.
Comment: This sequence change replaces aspartic acid with valine at codon 2479 of the CDH23 protein (p.Asp2479Val). The aspartic acid residue is highly conserved and there is a large physicochemical difference between aspartic acid and valine. This variant is not present in population databases (ExAC no frequency). This variant has not been reported in the literature in individuals affected with CDH23-related conditions. Algorithms developed to predict the effect of missense changes on protein structure and function are either unavailable or do not agree on the potential impact of this missense change (SIFT: "Deleterious"; PolyPhen-2: "Not Available"; Align-GVGD: "Class C65"). In summary, the available evidence is currently insufficient to determine the role of this variant in disease. Therefore, it has been classified as a Variant of Uncertain Significance.

NM_022124.6(CDH23):c.7436A>T (p.Asp2479Val)

Gene: CDH23 (cadherin related 23; plus strand). Cytogenetic location: 10q22.1.
Variant type: single nucleotide variant.
Coding change: c.7436A>T on transcript NM_022124.6 (MANE Select); coding-DNA position 7436, A replaced by T.
Protein change: p.Asp2479Val; replaces aspartic acid 2479 with valine.
Molecular consequence: missense variant.
Genome position (GRCh38, 1-based): chr10:71,800,709, A>T. VCF-style: chr10-71800709-A-T. GRCh37 (hg19) VCF-style: chr10-73560466-A-T.
Other names: c.716A>T, p.Asp239Val (NM_001171933.1, NM_001171934.1); short protein forms D2479V, D239V.
Identifiers: ClinVar variation 1389779 (VCV001389779.6), dbSNP rs1328535373, ClinGen allele CA377159957.